The following is an entry in ClinVar:

ClinVar aggregate classification (germline): Uncertain significance. Review status: criteria provided, multiple submitters, no conflicts (2 of 4 stars). 2 submissions from 2 submitters: Uncertain significance (2). Last evaluated 2025-04-17.

Conditions:
Mitochondrial complex V (ATP synthase) deficiency, nuclear type 1. Also called: Nuclear-Encoded ATPase Deficiency, ATPAF2-Related; MITOCHONDRIAL COMPLEX V (ATP SYNTHASE) DEFICIENCY, ATPAF2 TYPE. Identifiers: Orphanet 254913, MedGen C3276276, MONDO:0011421, OMIM 604273.

Allele frequency attached by ClinVar (database versions not stated): gnomAD exomes below 0.00001; TOPMed 0.00002; gnomAD 0.00005 and 0.00006.
gnomAD v4.1: 11 of 1,613,866 alleles (0.00068%); highest among the groups gnomAD compares: African/African-American, 0.011%; no homozygotes.

Submissions (2):

Labcorp Genetics (formerly Invitae), Labcorp
Classification: Uncertain significance. Last evaluated: 2025-04-17. Review status: criteria provided, single submitter. Criteria: Invitae Variant Classification Sherloc (09022015). Collection method: clinical testing. Allele origin: germline.
Comment: This sequence change replaces arginine, which is basic and polar, with leucine, which is neutral and non-polar, at codon 38 of the ATPAF2 protein (p.Arg38Leu). This variant is present in population databases (no rsID available, gnomAD 0.02%). This variant has not been reported in the literature in individuals affected with ATPAF2-related conditions. ClinVar contains an entry for this variant (Variation ID: 890507). An algorithm developed to predict the effect of missense changes on protein structure and function (PolyPhen-2) suggests that this variant is likely to be tolerated. In summary, the available evidence is currently insufficient to determine the role of this variant in disease. Therefore, it has been classified as a Variant of Uncertain Significance.

Illumina Laboratory Services, Illumina
Classification: Uncertain significance for Mitochondrial complex V (ATP synthase) deficiency, nuclear type 1. Last evaluated: 2018-01-13. Review status: criteria provided, single submitter. Criteria: ICSL Variant Classification Criteria 13 December 2019. Collection method: clinical testing. Allele origin: germline.

NM_145691.4(ATPAF2):c.113G>T (p.Arg38Leu)

Gene: ATPAF2 (ATP synthase mitochondrial F1 complex assembly factor 2; minus strand). Cytogenetic location: 17p11.2.
Variant type: single nucleotide variant.
Coding change: c.113G>T on transcript NM_145691.4 (MANE Select); coding-DNA position 113, G replaced by T.
Protein change: p.Arg38Leu; replaces arginine 38 with leucine.
Molecular consequence: missense variant.
Genome position (GRCh38, 1-based): chr17:18,038,901, C>A on the plus strand (G>T on the coding strand, the complement: ATPAF2 is on the minus strand). VCF-style: chr17-18038901-C-A. GRCh37 (hg19) VCF-style: chr17-17942215-C-A.
Other names: short protein forms R38L.
Identifiers: ClinVar variation 890507 (VCV000890507.5), dbSNP rs1052960618, ClinGen allele CA288418351.